The following is an entry in ClinVar:

ClinVar aggregate classification (germline): Uncertain significance. Review status: criteria provided, multiple submitters, no conflicts (2 of 4 stars). 2 submissions from 2 submitters: Uncertain significance (2). Last evaluated 2026-01-25.

Conditions:
PLXNA3-related disorder. Also called: PLXNA3-related condition.

Allele frequency attached by ClinVar (database versions not stated): ExAC 0.00002; gnomAD 0.00002; gnomAD exomes 0.00002.
gnomAD v4.1: 6 of 1,201,751 alleles (0.0005%); highest among the groups gnomAD compares: African/African-American, 0.011%; no homozygotes.

Submissions (2):

PreventionGenetics, part of Exact Sciences
Classification: Uncertain significance for PLXNA3-related condition. Last evaluated: 2026-01-25. Review status: criteria provided, single submitter. Criteria: ACMG Guidelines, 2015. Collection method: clinical testing. Allele origin: germline.
Comment: The PLXNA3 c.3628A>T variant is predicted to result in the amino acid substitution p.Ile1210Phe. To our knowledge, this variant has not been reported in the literature. This variant is reported in 0.022% of alleles in individuals of African descent in gnomAD. At this time, the clinical significance of this variant is uncertain due to the absence of conclusive functional and genetic evidence.

New York Genome Center
Classification: Uncertain significance. Last evaluated: 2021-03-26. Review status: criteria provided, single submitter. Criteria: NYGC Assertion Criteria 2020. Collection method: clinical testing. Allele origin: germline. Observed: 1 hemizygote. Study: CSER-NYCKidSeq.

NM_017514.5(PLXNA3):c.3628A>T (p.Ile1210Phe)

Gene: PLXNA3 (plexin A3; plus strand). Cytogenetic location: Xq28.
Variant type: single nucleotide variant.
Coding change: c.3628A>T on transcript NM_017514.5 (MANE Select); coding-DNA position 3628, A replaced by T.
Protein change: p.Ile1210Phe; replaces isoleucine 1210 with phenylalanine.
Molecular consequence: missense variant.
Genome position (GRCh38, 1-based): chrX:154,467,809, A>T. VCF-style: chrX-154467809-A-T. GRCh37 (hg19) VCF-style: chrX-153696152-A-T.
Other names: c.3628A>T (NM_017514.4); short protein forms I1210F.
Identifiers: ClinVar variation 1342573 (VCV001342573.2), dbSNP rs782698800, ClinGen allele CA10564680.